The following is an entry in ClinVar:

NM_001393530.1(MATN4):c.1681C>A (p.Leu561Met)

Gene: MATN4 (matrilin 4; minus strand). Cytogenetic location: 20q13.12.
Variant type: single nucleotide variant.
Coding change: c.1681C>A on transcript NM_001393530.1 (MANE Select); coding-DNA position 1681, C replaced by A.
Protein change: p.Leu561Met; replaces leucine 561 with methionine.
Molecular consequence: missense variant.
Genome position (GRCh38, 1-based): chr20:45,293,914, G>T on the plus strand (C>A on the coding strand, the complement: MATN4 is on the minus strand). VCF-style: chr20-45293914-G-T. GRCh37 (hg19) VCF-style: chr20-43922554-G-T.
Other names: c.1681C>A, p.Leu561Met (NM_001393531.1, NM_003833.5); c.1558C>A, p.Leu520Met (NM_030590.4); c.1435C>A, p.Leu479Met (NM_030592.4); short protein forms L479M, L520M, L561M.
Identifiers: ClinVar variation 3038510 (VCV003038510.2), dbSNP rs111737060, ClinGen allele CA9875858.
Genomic context (GRCh38, chr20:45,293,914, plus strand): 5'-CGCCGAGGTCCCTTCACTTTCCCTCCAGCCCGCGCCACCAGCCCCAAAGGATATGGTTCA[G>T]CGTCAGGCTCTCGAGCGCCCCCAGCGTGCGGCCCTGGAACTCCACGAGGCTTTCGCATTC-3'
Protein context (NP_001380459.1, residues 551-571): RTLGALESLT[Leu561Met]NLAQLTARLE

ClinVar aggregate classification (germline): Likely benign (0 of 4 stars; one submission).

Conditions:
MATN4-related disorder. Also called: MATN4-related condition.

Allele frequency attached by ClinVar (database versions not stated): gnomAD exomes 0.00016; ExAC 0.00047; gnomAD 0.00163; TOPMed 0.00178; 1000 Genomes Project 0.00200; ESP Exome Variant Server 0.00200; 1000 Genomes Project 30x 0.00203.
gnomAD v4.1: 503 of 1,603,156 alleles (0.031%); highest among the groups gnomAD compares: African/African-American, 0.53%; no homozygotes.

Submission:

PreventionGenetics, part of Exact Sciences
Classification: Likely benign for MATN4-related condition. Last evaluated: 2022-08-01. Review status: no assertion criteria provided. Collection method: clinical testing. Allele origin: germline.
Comment: This variant is classified as likely benign based on ACMG/AMP sequence variant interpretation guidelines (Richards et al. 2015 PMID: 25741868, with internal and published modifications).